The following is an entry in ClinVar:

NM_001142800.2(EYS):c.7955G>A (p.Cys2652Tyr)

Gene: EYS (EGF-like photoreceptor maintenance factor; minus strand). Cytogenetic location: 6q12.
Variant type: single nucleotide variant.
Coding change: c.7955G>A on transcript NM_001142800.2 (MANE Select); coding-DNA position 7955, G replaced by A.
Protein change: p.Cys2652Tyr; replaces cysteine 2652 with tyrosine.
Molecular consequence: missense variant.
Genome position (GRCh38, 1-based): chr6:63,762,577, C>T on the plus strand (G>A on the coding strand, the complement: EYS is on the minus strand). VCF-style: chr6-63762577-C-T. GRCh37 (hg19) VCF-style: chr6-64472470-C-T.
Other names: c.7955G>A, p.Cys2652Tyr (NM_001292009.2); short protein forms C2652Y.
Identifiers: ClinVar variation 852012 (VCV000852012.5), dbSNP rs1389551814, ClinGen allele CA364390256.

ClinVar aggregate classification (germline): Uncertain significance (1 of 4 stars; one submission).

Allele frequency attached by ClinVar (database versions not stated): gnomAD exomes below 0.00001; TOPMed 0.00001.
gnomAD v4.1: 2 of 1,550,450 alleles (0.00013%); highest among the groups gnomAD compares: African/African-American, 0.0027%; no homozygotes.

Submission:

Labcorp Genetics (formerly Invitae), Labcorp
Classification: Uncertain significance. Last evaluated: 2024-10-16. Review status: criteria provided, single submitter. Criteria: Invitae Variant Classification Sherloc (09022015). Collection method: clinical testing. Allele origin: germline.
Comment: This sequence change replaces cysteine, which is neutral and slightly polar, with tyrosine, which is neutral and polar, at codon 2652 of the EYS protein (p.Cys2652Tyr). This variant is not present in population databases (gnomAD no frequency). This variant has not been reported in the literature in individuals affected with EYS-related conditions. ClinVar contains an entry for this variant (Variation ID: 852012). Invitae Evidence Modeling of protein sequence and biophysical properties (such as structural, functional, and spatial information, amino acid conservation, physicochemical variation, residue mobility, and thermodynamic stability) indicates that this missense variant is expected to disrupt EYS protein function with a positive predictive value of 80%. In summary, the available evidence is currently insufficient to determine the role of this variant in disease. Therefore, it has been classified as a Variant of Uncertain Significance.